The following is an entry in ClinVar:

ClinVar aggregate classification (germline): Uncertain significance (1 of 4 stars; one submission).

Conditions:
Epilepsy. Also called: Seizure disorder. Identifiers: MedGen C0014544, MeSH D004827, MONDO:0005027.

Allele frequency attached by ClinVar (database versions not stated): gnomAD exomes 0.00001 and 0.00003; gnomAD 0.00003; TOPMed 0.00004; ExAC 0.00005.

Submission:

Labcorp Genetics (formerly Invitae), Labcorp
Classification: Uncertain significance for Epilepsy. Last evaluated: 2024-12-02. Review status: criteria provided, single submitter. Criteria: Invitae Variant Classification Sherloc (09022015). Collection method: clinical testing. Allele origin: germline.
Comment: This sequence change replaces glycine, which is neutral and non-polar, with arginine, which is basic and polar, at codon 303 of the PIGQ protein (p.Gly303Arg). The frequency data for this variant in the population databases is considered unreliable, as metrics indicate poor data quality at this position in the gnomAD database. This variant has not been reported in the literature in individuals affected with PIGQ-related conditions. ClinVar contains an entry for this variant (Variation ID: 641333). An algorithm developed to predict the effect of missense changes on protein structure and function (PolyPhen-2) suggests that this variant is likely to be disruptive. In summary, the available evidence is currently insufficient to determine the role of this variant in disease. Therefore, it has been classified as a Variant of Uncertain Significance.

NM_004204.5(PIGQ):c.907G>A (p.Gly303Arg)

Gene: PIGQ (phosphatidylinositol glycan anchor biosynthesis class Q; plus strand). Cytogenetic location: 16p13.3.
Variant type: single nucleotide variant.
Coding change: c.907G>A on transcript NM_004204.5 (MANE Select); coding-DNA position 907, G replaced by A.
Protein change: p.Gly303Arg; replaces glycine 303 with arginine.
Molecular consequence: missense variant.
Genome position (GRCh38, 1-based): chr16:576,219, G>A. VCF-style: chr16-576219-G-A. GRCh37 (hg19) VCF-style: chr16-626219-G-A.
Other names: c.907G>A, p.Gly303Arg (NM_148920.4); short protein forms G303R.
Identifiers: ClinVar variation 641333 (VCV000641333.7), dbSNP rs747818784, ClinGen allele CA7780022.